The following is an entry in ClinVar:

NM_000169.3(GLA):c.666del (p.Cys223fs)

Genes: GLA (galactosidase alpha; minus strand), RPL36A-HNRNPH2 (RPL36A-HNRNPH2 readthrough; plus strand). Cytogenetic location: Xq22.1.
Variant type: Deletion.
Coding change: c.666del on transcript NM_000169.3 (MANE Select); coding-DNA position 666, one base deleted (C; older notation c.666delC).
Protein change: p.Cys223fs; shifts the reading frame from cysteine 223.
Molecular consequence: frameshift variant. On other transcripts: non-coding transcript variant (3), intron variant (2).
Genome position (GRCh38, 1-based): chrX:101,398,920, G deleted on the plus strand (C on the coding strand, the reverse complement: GLA is on the minus strand). VCF-style (leftmost placement, unchanged base first): chrX-101398919-AG-A. GRCh37 (hg19) VCF-style: chrX-100653907-AG-A.
Other names: c.789del, p.Cys264fs (NM_001406747.1); c.666del, p.Cys223fs (NM_001406748.1); c.300+3463del (NM_001199973.2); c.177+7098del (NM_001199974.2); short protein forms C223fs, C264fs.
Identifiers: ClinVar variation 4086989 (VCV004086989.2).

ClinVar aggregate classification (germline): Pathogenic (1 of 4 stars; one submission).

Conditions:
Fabry disease. Also called: ALPHA-GALACTOSIDASE A DEFICIENCY; ANDERSON-FABRY DISEASE; CERAMIDE TRIHEXOSIDASE DEFICIENCY; GLA DEFICIENCY; HEREDITARY DYSTOPIC LIPIDOSIS; Angiokeratoma corporis diffusum. Identifiers: Orphanet 324, MedGen C0002986, MONDO:0010526, OMIM 301500, HP:0001071. Disease mechanism: Fabry disease is due to inactivating mutations in the X-linked GLA gene resulting in deficiency of the enzyme Alpha Galactosidase-A., loss of function.

Submission:

Genomenon, Inc
Classification: Pathogenic for Fabry disease. Last evaluated: 2026-09-08. Review status: criteria provided, single submitter. Criteria: Genomenon Sequence Variant Interpretation Standards - Updated. Collection method: curation. Allele origin: germline. Affected: yes.
Comment: GLA p.Cys223AlafsTer17 (c.666del) is a frameshift variant that is predicted to introduce a premature termination codon and result in a truncated or absent protein product. This variant has been observed in at least one proband with clinical features consistent with Fabry disease (PMID:36143092;35268433). The variant was found to segregate with disease in at least one affected family (PMID:35268433). Functional or patient cell studies have been reported (PMID:36143092;35268433). It is absent or not present at a significant frequency in gnomAD. In conclusion, we classify GLA p.Cys223AlafsTer17 (c.666del) as a pathogenic variant.

Literature cited by the submitters: PubMed 36143092; PubMed 35268433.